The following is an entry in ClinVar:

ClinVar aggregate classification (germline): Uncertain significance. Review status: criteria provided, multiple submitters, no conflicts (2 of 4 stars). 2 submissions from 2 submitters: Uncertain significance (2). Last evaluated 2026-04-20.

Conditions:
MC4R-related disorder. Also called: MC4R-related condition.
Early onset severe obesity. Identifiers: MedGen C4013980.

Submissions (2):

PreventionGenetics, part of Exact Sciences
Classification: Uncertain significance for MC4R-related condition. Last evaluated: 2026-04-20. Review status: criteria provided, single submitter. Criteria: ACMG Guidelines, 2015. Collection method: clinical testing. Allele origin: germline.
Comment: The MC4R c.917G>A variant is predicted to result in the amino acid substitution p.Ser306Asn. This variant has been reported in one obese individual; however, no evidence was provided to support its pathogenicity (Table S2, Namjou et al. 2021. PubMed ID: 32952152). At PreventionGenetics, this variant has been noted alone or in combination with other possible causative variants in individuals with childhood obesity. This variant is reported in 0.0023% of alleles in individuals of European (non-Finnish) descent in gnomAD. At this time, the clinical significance of this variant is uncertain due to the absence of conclusive functional and genetic evidence.

Cambridge Genomics Laboratory, East Genomic Laboratory Hub, NHS Genomic Medicine Service
Classification: Uncertain significance for Severe early-onset obesity. Last evaluated: 2025-06-24. Review status: criteria provided, single submitter. Criteria: ACGS Best Practice Guidelines for Variant Classification in Rare Disease 2020. Collection method: clinical testing. Allele origin: germline. Affected: yes.
Comment: PS3_Supporting,PS4_Supporting,PM2

NM_005912.3(MC4R):c.917G>A (p.Ser306Asn)

Gene: MC4R (melanocortin 4 receptor; minus strand). Cytogenetic location: 18q21.32.
Variant type: single nucleotide variant.
Coding change: c.917G>A on transcript NM_005912.3 (MANE Select); coding-DNA position 917, G replaced by A.
Protein change: p.Ser306Asn; replaces serine 306 with asparagine.
Molecular consequence: missense variant.
Genome position (GRCh38, 1-based): chr18:60,371,433, C>T on the plus strand (G>A on the coding strand, the complement: MC4R is on the minus strand). VCF-style: chr18-60371433-C-T. GRCh37 (hg19) VCF-style: chr18-58038666-C-T.
Other names: short protein forms S306N.
Identifiers: ClinVar variation 3351267 (VCV003351267.3).
Genomic context (GRCh38, chr18:60,371,433, plus strand): 5'-CAAAGGCCTCCCAGGGGATAGCAACAGATGATCTCTTTGAAGGTTTTCCTCAGTTCTTGA[C>T]TCCGGAGTGCATAAATCAGAGGATCGATGATTGAATTACACATGATCAGTATGAGATACA-3'
Protein context (NP_005903.2, residues 296-316): IIDPLIYALR[Ser306Asn]QELRKTFKEI